The following is an entry in ClinVar:

NM_000726.5(CACNB4):c.655A>G (p.Met219Val)

Gene: CACNB4 (calcium voltage-gated channel auxiliary subunit beta 4; minus strand). Cytogenetic location: 2q23.3.
Variant type: single nucleotide variant.
Coding change: c.655A>G on transcript NM_000726.5 (MANE Select); coding-DNA position 655, A replaced by G.
Protein change: p.Met219Val; replaces methionine 219 with valine.
Molecular consequence: missense variant. On other transcripts: initiator codon variant (1).
Genome position (GRCh38, 1-based): chr2:151,870,575, T>C on the plus strand (A>G on the coding strand, the complement: CACNB4 is on the minus strand). VCF-style: chr2-151870575-T-C. GRCh37 (hg19) VCF-style: chr2-152727089-T-C.
Other names: p.M219V:ATG>GTG; c.601A>G, p.Met201Val (NM_001005746.4); c.553A>G, p.Met185Val (NM_001005747.4); c.655A>G, p.Met219Val (NM_001145798.3); c.514A>G, p.Met172Val (NM_001320722.3, NM_001330118.2); c.581A>G, p.Asn194Ser (NM_001330113.2); c.1A>G, p.Met1Val (NM_001330114.2); c.533A>G, p.Asn178Ser (NM_001330115.2); and 2 more; short protein forms M219V, M185V, M1V, N194S, M201V, M172V, M33V, N165S.
Identifiers: ClinVar variation 136652 (VCV000136652.23), dbSNP rs201870832, ClinGen allele CA289953.

ClinVar aggregate classification (germline): Benign/Likely benign. Review status: criteria provided, multiple submitters, no conflicts (2 of 4 stars). 8 submissions from 8 submitters: Benign (4); Likely benign (1). 3 of the submissions do not count toward it. Last evaluated 2025-10-22.

Conditions:
CACNB4-related disorder. Also called: CACNB4-related condition; CACNB4-Related Disorders.
Idiopathic generalized epilepsy. Also called: Generalised epilepsy; EIG. Identifiers: MedGen C0270850, MONDO:0005579, OMIM 600669.

Allele frequency attached by ClinVar (database versions not stated): gnomAD exomes 0.00024 and 0.00051; ExAC 0.00064; 1000 Genomes Project 0.00140; ESP Exome Variant Server 0.00182; 1000 Genomes Project 30x 0.00219; TOPMed 0.00236; gnomAD 0.00239.
gnomAD v4.1: 735 of 1,613,932 alleles (0.046%); highest among the groups gnomAD compares: African/African-American, 0.83%; 2 homozygotes.

Submissions (8):

Labcorp Genetics (formerly Invitae), Labcorp
Classification: Benign for Idiopathic generalized epilepsy. Last evaluated: 2025-10-22. Review status: criteria provided, single submitter. Criteria: Invitae Variant Classification Sherloc (09022015). Collection method: clinical testing. Allele origin: germline.

Athena Diagnostics
Classification: Benign. Last evaluated: 2024-08-21. Review status: criteria provided, single submitter. Criteria: Athena Diagnostics Criteria. Collection method: clinical testing. Allele origin: unknown.

Blueprint Genetics
Classification: Likely benign. Last evaluated: 2024-07-02. Review status: criteria provided, single submitter. Criteria: ACMG Guidelines, 2015. Collection method: clinical testing. Allele origin: germline.

Eurofins Ntd Llc (ga)
Classification: Benign. Last evaluated: 2016-05-12. Review status: criteria provided, single submitter. Criteria: EGL Classification Definitions 2015. Collection method: clinical testing. Allele origin: germline. Observed: 1 variant allele, 1 heterozygote.

GeneDx
Classification: Benign. Last evaluated: 2013-10-01. Review status: criteria provided, single submitter. Criteria: GeneDx Variant Classification (06012015). Collection method: clinical testing. Allele origin: germline. Affected: yes.
Comment: This variant is considered likely benign or benign based on one or more of the following criteria: it is a conservative change, it occurs at a poorly conserved position in the protein, it is predicted to be benign by multiple in silico algorithms, and/or has population frequency not consistent with disease.

PreventionGenetics, part of Exact Sciences
Classification: Benign for CACNB4-related condition. Last evaluated: 2019-06-14. Review status: no assertion criteria provided. Collection method: clinical testing. Allele origin: germline. Not counted in ClinVar's aggregate classification.
Comment: This variant is classified as benign based on ACMG/AMP sequence variant interpretation guidelines (Richards et al. 2015 PMID: 25741868, with internal and published modifications).

Clinical Genetics DNA and cytogenetics Diagnostics Lab, Erasmus MC, Erasmus Medical Center
Classification: Likely benign. Review status: no assertion criteria provided. Collection method: clinical testing. Allele origin: germline. Affected: yes. Study: VKGL Data-share Consensus. Not counted in ClinVar's aggregate classification.

Genome Diagnostics Laboratory, University Medical Center Utrecht
Classification: Benign. Review status: no assertion criteria provided. Collection method: clinical testing. Allele origin: germline. Affected: yes. Study: VKGL Data-share Consensus. Not counted in ClinVar's aggregate classification.